The following is an entry in ClinVar:

ClinVar aggregate classification (germline): Uncertain significance (1 of 4 stars; one submission).

Conditions:
Inborn genetic diseases. Identifiers: MedGen C0950123, MeSH D030342.

gnomAD v4.1: 15 of 1,504,212 alleles (0.001%); highest among the groups gnomAD compares: Non-Finnish European, 0.0013%; no homozygotes.

Submission:

Ambry Genetics
Classification: Uncertain significance for Inborn genetic diseases. Last evaluated: 2024-06-11. Review status: criteria provided, single submitter. Criteria: Ambry Variant Classification Scheme 2023. Collection method: clinical testing. Allele origin: germline.
Comment: The c.6149C>T (p.A2050V) alteration is located in exon 30 (coding exon 30) of the SPEG gene. This alteration results from a C to T substitution at nucleotide position 6149, causing the alanine (A) at amino acid position 2050 to be replaced by a valine (V). Based on data from gnomAD, the T allele has an overall frequency of 0.001% (2/152062) total alleles studied. The highest observed frequency was 0.003% (2/67962) of European (non-Finnish) alleles. This amino acid position is not well conserved in available vertebrate species. This alteration is predicted to be tolerated by in silico analysis. Based on insufficient or conflicting evidence, the clinical significance of this alteration remains unclear.

NM_005876.5(SPEG):c.6149C>T (p.Ala2050Val)

Genes: ASIC4-AS1 (ASIC4 antisense RNA 1; minus strand), SPEG (striated muscle enriched protein kinase; plus strand). Cytogenetic location: 2q35.
Variant type: single nucleotide variant.
Coding change: c.6149C>T on transcript NM_005876.5 (MANE Select); coding-DNA position 6149, C replaced by T.
Protein change: p.Ala2050Val; replaces alanine 2050 with valine.
Molecular consequence: missense variant.
Genome position (GRCh38, 1-based): chr2:219,483,612, C>T. VCF-style: chr2-219483612-C-T. GRCh37 (hg19) VCF-style: chr2-220348334-C-T.
Other names: short protein forms A2050V.
Identifiers: ClinVar variation 3322116 (VCV003322116.1).